The following is an entry in ClinVar:

ClinVar aggregate classification (germline): Uncertain significance (1 of 4 stars; one submission).

gnomAD v4.1: 19 of 1,613,996 alleles (0.0012%); highest among the groups gnomAD compares: Non-Finnish European, 0.0014%; no homozygotes.

Submission:

Mayo Clinic Laboratories, Mayo Clinic
Classification: Uncertain significance. Last evaluated: 2025-05-28. Review status: criteria provided, single submitter. Criteria: ACMG Guidelines, 2015. Collection method: clinical testing. Allele origin: germline. Observed: 1 variant allele.
Comment: PP3_moderate, PM2_supporting

NM_001077365.2(POMT1):c.908C>G (p.Ser303Cys)

Gene: POMT1 (protein O-mannosyltransferase 1; plus strand). Cytogenetic location: 9q34.13.
Variant type: single nucleotide variant.
Coding change: c.908C>G on transcript NM_001077365.2 (MANE Select); coding-DNA position 908, C replaced by G.
Protein change: p.Ser303Cys; replaces serine 303 with cysteine.
Molecular consequence: missense variant. On other transcripts: 5 prime UTR variant (1), non-coding transcript variant (10), synonymous variant (1).
Genome position (GRCh38, 1-based): chr9:131,511,389, C>G. VCF-style: chr9-131511389-C-G. GRCh37 (hg19) VCF-style: chr9-134386776-C-G.
Other names: p.Ser325Cys; c.746C>G, p.Ser249Cys (NM_001077366.2, NM_001374693.1, NM_001353194.2); c.908C>G, p.Ser303Cys (NM_001136113.2, NM_001374690.1); c.557C>G, p.Ser186Cys (NM_001136114.2, NM_001374691.1, NM_001374692.1 and 1 more transcripts); c.518C>G, p.Ser173Cys (NM_001374695.1); c.-229C>G (NM_001411024.1); c.974C>G, p.Ser325Cys (NM_007171.4, NM_001353193.2); c.818C>G, p.Ser273Cys (NM_001353196.2); and 4 more; short protein forms S186C, S208C, S303C, S325C, S151C, S273C, S173C, S249C.
Identifiers: ClinVar variation 4541485 (VCV004541485.1).